The following is an entry in ClinVar:

ClinVar aggregate classification (germline): Conflicting classifications of pathogenicity. Review status: criteria provided, conflicting classifications (1 of 4 stars). 4 submissions from 4 submitters: Uncertain significance (1); Likely benign (3). Last evaluated 2024-10-21.

Conditions:
Maple syrup urine disease (MSUD). Identifiers: Orphanet 511, MedGen C0024776, MeSH D008375, MONDO:0009563. Disease mechanism: loss of function.

Allele frequency attached by ClinVar (database versions not stated): gnomAD exomes 0.00003 and 0.00011; ExAC 0.00004; gnomAD 0.00004 and 0.00005; TOPMed 0.00005.
gnomAD v4.1: 162 of 1,606,692 alleles (0.01%); highest among the groups gnomAD compares: Non-Finnish European, 0.013%; no homozygotes.

Submissions (4):

Labcorp Genetics (formerly Invitae), Labcorp
Classification: Likely benign for Maple syrup urine disease. Last evaluated: 2024-10-21. Review status: criteria provided, single submitter. Criteria: Invitae Variant Classification Sherloc (09022015). Collection method: clinical testing. Allele origin: germline.

Genome-Nilou Lab
Classification: Likely benign for Maple syrup urine disease type 1A. Last evaluated: 2021-11-07. Review status: criteria provided, single submitter. Criteria: ACMG Guidelines, 2015. Collection method: clinical testing. Allele origin: germline. Affected: no.

Illumina Laboratory Services, Illumina
Classification: Uncertain significance for Maple syrup urine disease type 1A. Last evaluated: 2018-01-13. Review status: criteria provided, single submitter. Criteria: ICSL Variant Classification Criteria 13 December 2019. Collection method: clinical testing. Allele origin: germline.

GeneDx
Classification: Likely benign. Last evaluated: 2016-08-18. Review status: criteria provided, single submitter. Criteria: GeneDx Variant Classification (06012015). Collection method: clinical testing. Allele origin: germline. Affected: yes.
Comment: This variant is considered likely benign or benign based on one or more of the following criteria: it is a conservative change, it occurs at a poorly conserved position in the protein, it is predicted to be benign by multiple in silico algorithms, and/or has population frequency not consistent with disease.

NM_001918.5(DBT):c.291C>T (p.Ser97=)

Gene: DBT (dihydrolipoamide branched chain transacylase E2; minus strand). Cytogenetic location: 1p21.2.
Variant type: single nucleotide variant.
Coding change: c.291C>T on transcript NM_001918.5 (MANE Select); coding-DNA position 291, C replaced by T.
Protein change: p.Ser97=; no amino-acid change (serine 97 retained).
Molecular consequence: synonymous variant.
Genome position (GRCh38, 1-based): chr1:100,230,875, G>A on the plus strand (C>T on the coding strand, the complement: DBT is on the minus strand). VCF-style: chr1-100230875-G-A. GRCh37 (hg19) VCF-style: chr1-100696431-G-A.
Identifiers: ClinVar variation 291456 (VCV000291456.18), dbSNP rs201318480, ClinGen allele CA969782.